The following is an entry in ClinVar:

NM_001680.5(FXYD2):c.*176T>G

Genes: FXYD6-FXYD2 (FXYD6-FXYD2 readthrough; minus strand), FXYD2 (FXYD domain containing ion transport regulator 2; minus strand). Cytogenetic location: 11q23.3.
Variant type: single nucleotide variant.
Coding change: c.*176T>G on transcript NM_001680.5 (MANE Select); 176 bases downstream of the stop codon, T replaced by G.
Molecular consequence: 3 prime UTR variant.
Genome position (GRCh38, 1-based): chr11:117,820,203, A>C on the plus strand (T>G on the coding strand, the complement: FXYD2 is on the minus strand). VCF-style: chr11-117820203-A-C. GRCh37 (hg19) VCF-style: chr11-117690918-A-C.
Other names: c.*210T>G (NM_001243598.4); c.*176T>G (NM_021603.4, NM_001204268.3).
Identifiers: ClinVar variation 302515 (VCV000302515.6), dbSNP rs11999, ClinGen allele CA10633477.

ClinVar aggregate classification (germline): Benign. Review status: criteria provided, multiple submitters, no conflicts (2 of 4 stars). 2 submissions from 2 submitters: Benign (2). Last evaluated 2018-01-13.

Conditions:
Renal hypomagnesemia 2 (HOMG2). Also called: MAGNESIUM LOSS, ISOLATED RENAL. Identifiers: Orphanet 34528, MedGen C1835171, MONDO:0007937, OMIM 154020.

Allele frequency attached by ClinVar (database versions not stated): 1000 Genomes Project 0.19289; 1000 Genomes Project 30x 0.19613; TOPMed 0.27341; gnomAD 0.27559 and 0.27930; gnomAD exomes 0.32892.
gnomAD v4.1: 47,118 of 167,860 alleles (28%); highest among the groups gnomAD compares: Non-Finnish European, 36%; 7,538 homozygotes.

Submissions (2):

Illumina Laboratory Services, Illumina
Classification: Benign for Renal hypomagnesemia 2. Last evaluated: 2018-01-13. Review status: criteria provided, single submitter. Criteria: ICSL Variant Classification Criteria 13 December 2019. Collection method: clinical testing. Allele origin: germline.
Comment: This variant was observed in the ICSL laboratory as part of a predisposition screen in an ostensibly healthy population. It had not been previously curated by ICSL or reported in the Human Gene Mutation Database (HGMD: prior to June 1st, 2018), and was therefore a candidate for classification through an automated scoring system. Utilizing variant allele frequency, disease prevalence and penetrance estimates, and inheritance mode, an automated score was calculated to assess if this variant is too frequent to cause the disease. Based on the score and internal cut-off values, a variant classified as benign is not then subjected to further curation. The score for this variant resulted in a classification of benign for this disease.

Breakthrough Genomics
Classification: Benign. Review status: criteria provided, single submitter. Criteria: ACMG Guidelines, 2015. Collection method: not provided. Allele origin: germline. Inheritance: Autosomal dominant inheritance. Affected: yes.